The following is an entry in ClinVar:

ClinVar aggregate classification (germline): Uncertain significance. Review status: criteria provided, multiple submitters, no conflicts (2 of 4 stars). 3 submissions from 3 submitters: Uncertain significance (3). Last evaluated 2026-05-22.

Conditions:
USH2A-related disorder. Also called: USH2A-related disorders; USH2A-related condition. Identifiers: MedGen CN239332.
Inborn genetic diseases. Identifiers: MedGen C0950123, MeSH D030342.

Allele frequency attached by ClinVar (database versions not stated): TOPMed 0.00001.
gnomAD v4.1: 4 of 1,613,584 alleles (0.00025%); highest among the groups gnomAD compares: Non-Finnish European, 0.00034%; no homozygotes.

Submissions (3):

PreventionGenetics, part of Exact Sciences
Classification: Uncertain significance for USH2A-related condition. Last evaluated: 2026-05-22. Review status: criteria provided, single submitter. Criteria: ACMG Guidelines, 2015. Collection method: clinical testing. Allele origin: germline.
Comment: The USH2A c.92C>T variant is predicted to result in the amino acid substitution p.Thr31Ile. To our knowledge, this variant has not been reported in the literature or in a large population database (gnomAD), indicating this variant is rare. At this time, the clinical significance of this variant is uncertain due to the absence of conclusive functional and genetic evidence.

Ambry Genetics
Classification: Uncertain significance for Inborn genetic diseases. Last evaluated: 2022-06-03. Review status: criteria provided, single submitter. Criteria: Ambry Variant Classification Scheme 2023. Collection method: clinical testing. Allele origin: germline.

Breakthrough Genomics
Classification: Uncertain significance. Review status: criteria provided, single submitter. Criteria: ACMG Guidelines, 2015. Collection method: not provided. Allele origin: germline. Inheritance: Autosomal recessive inheritance. Affected: yes.

NM_206933.4(USH2A):c.92C>T (p.Thr31Ile)

Gene: USH2A (usherin; minus strand). Cytogenetic location: 1q41.
Variant type: single nucleotide variant.
Coding change: c.92C>T on transcript NM_206933.4 (MANE Select); coding-DNA position 92, C replaced by T.
Protein change: p.Thr31Ile; replaces threonine 31 with isoleucine.
Molecular consequence: missense variant.
Genome position (GRCh38, 1-based): chr1:216,422,245, G>A on the plus strand (C>T on the coding strand, the complement: USH2A is on the minus strand). VCF-style: chr1-216422245-G-A. GRCh37 (hg19) VCF-style: chr1-216595587-G-A.
Other names: c.92C>T, p.Thr31Ile (NM_007123.6); short protein forms T31I.
Identifiers: ClinVar variation 2293627 (VCV002293627.4), dbSNP rs750745352, ClinGen allele CA37922155.